The following is an entry in ClinVar:

NM_017777.4(MKS1):c.57C>T (p.Asp19=)

Genes: MKS1 (MKS transition zone complex subunit 1; minus strand), LOC130061271 (ATAC-STARR-seq lymphoblastoid active region 12461; plus strand). Cytogenetic location: 17q22.
Variant type: single nucleotide variant.
Coding change: c.57C>T on transcript NM_017777.4 (MANE Select); coding-DNA position 57, C replaced by T.
Protein change: p.Asp19=; no amino-acid change (aspartic acid 19 retained).
Molecular consequence: synonymous variant. On other transcripts: 5 prime UTR variant (1).
Genome position (GRCh38, 1-based): chr17:58,219,174, G>A on the plus strand (C>T on the coding strand, the complement: MKS1 is on the minus strand). VCF-style: chr17-58219174-G-A. GRCh37 (hg19) VCF-style: chr17-56296535-G-A.
Other names: c.-455C>T (NM_001321268.2); c.57C>T, p.Asp19= (NM_001321269.2, NM_001330397.2, NM_001411113.1).
Identifiers: ClinVar variation 3346826 (VCV003346826.1).

ClinVar aggregate classification (germline): Likely benign (0 of 4 stars; one submission).

Conditions:
MKS1-related disorder. Also called: MKS1-related condition; MKS1-related disorders. Identifiers: MedGen CN239382.

Submission:

PreventionGenetics, part of Exact Sciences
Classification: Likely benign for MKS1-related condition. Last evaluated: 2024-08-30. Review status: no assertion criteria provided. Collection method: clinical testing. Allele origin: germline.
Comment: This variant is classified as likely benign based on ACMG/AMP sequence variant interpretation guidelines (Richards et al. 2015 PMID: 25741868, with internal and published modifications).